The following is an entry in ClinVar:

ClinVar aggregate classification (germline): Uncertain significance (1 of 4 stars; one submission).

Submission:

Labcorp Genetics (formerly Invitae), Labcorp
Classification: Uncertain significance. Last evaluated: 2026-01-23. Review status: criteria provided, single submitter. Criteria: Invitae Variant Classification Sherloc (09022015). Collection method: clinical testing. Allele origin: germline.
Comment: This sequence change replaces phenylalanine, which is neutral and non-polar, with leucine, which is neutral and non-polar, at codon 256 of the NAF1 protein (p.Phe256Leu). This variant is not present in population databases (gnomAD no frequency). This variant has not been reported in the literature in individuals affected with NAF1-related conditions. An algorithm developed to predict the effect of missense changes on protein structure and function (PolyPhen-2) suggests that this variant is likely to be disruptive. In summary, the available evidence is currently insufficient to determine the role of this variant in disease. Therefore, it has been classified as a Variant of Uncertain Significance.

NM_138386.3(NAF1):c.768T>G (p.Phe256Leu)

Gene: NAF1 (nuclear assembly factor 1 ribonucleoprotein; minus strand). Cytogenetic location: 4q32.2.
Variant type: single nucleotide variant.
Coding change: c.768T>G on transcript NM_138386.3 (MANE Select); coding-DNA position 768, T replaced by G.
Protein change: p.Phe256Leu; replaces phenylalanine 256 with leucine.
Molecular consequence: missense variant.
Genome position (GRCh38, 1-based): chr4:163,140,333, A>C on the plus strand (T>G on the coding strand, the complement: NAF1 is on the minus strand). VCF-style: chr4-163140333-A-C. GRCh37 (hg19) VCF-style: chr4-164061485-A-C.
Other names: c.768T>G, p.Phe256Leu (NM_001128931.2); short protein forms F256L.
Identifiers: ClinVar variation 4726412 (VCV004726412.1).
Genomic context (GRCh38, chr4:163,140,333, plus strand): 5'-AGCAAAATACATAGTCTCCTTTATTTTAATACCTTTACTCTCAATGTGATCTGAAGAATT[A>C]AACCGTAACACATAAAATGGATGTGCAACAGGTCCAAATATCTCGAATATCTGTAATAGA-3'
Protein context (NP_612395.2, residues 246-266): PVAHPFYVLR[Phe256Leu]NSSDHIESKG